The following is an entry in ClinVar:

NM_001364857.2(ADGRB2):c.271G>A (p.Ala91Thr)

Gene: ADGRB2 (adhesion G protein-coupled receptor B2; minus strand). Cytogenetic location: 1p35.2.
Variant type: single nucleotide variant.
Coding change: c.271G>A on transcript NM_001364857.2 (MANE Select); coding-DNA position 271, G replaced by A.
Protein change: p.Ala91Thr; replaces alanine 91 with threonine.
Molecular consequence: missense variant.
Genome position (GRCh38, 1-based): chr1:31,756,566, C>T on the plus strand (G>A on the coding strand, the complement: ADGRB2 is on the minus strand). VCF-style: chr1-31756566-C-T. GRCh37 (hg19) VCF-style: chr1-32222167-C-T.
Other names: c.271G>A, p.Ala91Thr (NM_001294335.2, NM_001294336.2); c.271G>A (NM_001703.2); short protein forms A91T.
Identifiers: ClinVar variation 1520833 (VCV001520833.7), dbSNP rs199894607, ClinGen allele CA736194.

ClinVar aggregate classification (germline): Conflicting classifications of pathogenicity. Review status: criteria provided, conflicting classifications (1 of 4 stars). 2 submissions from 2 submitters: Uncertain significance (1); Likely benign (1). Last evaluated 2025-07-24.

Allele frequency attached by ClinVar (database versions not stated): gnomAD 0.00006 and 0.00007; TOPMed 0.00011; ESP Exome Variant Server 0.00015; gnomAD exomes 0.00015; 1000 Genomes Project 0.00020; ExAC 0.00020; 1000 Genomes Project 30x 0.00031.
gnomAD v4.1: 166 of 1,612,088 alleles (0.01%); highest among the groups gnomAD compares: Non-Finnish European, 0.013%; no homozygotes.

Submissions (2):

Labcorp Genetics (formerly Invitae), Labcorp
Classification: Uncertain significance. Last evaluated: 2025-07-24. Review status: criteria provided, single submitter. Criteria: Invitae Variant Classification Sherloc (09022015). Collection method: clinical testing. Allele origin: germline.
Comment: This sequence change replaces alanine, which is neutral and non-polar, with threonine, which is neutral and polar, at codon 91 of the ADGRB2 protein (p.Ala91Thr). This variant is present in population databases (rs199894607, gnomAD 0.03%). This variant has not been reported in the literature in individuals affected with ADGRB2-related conditions. ClinVar contains an entry for this variant (Variation ID: 1520833). An algorithm developed to predict the effect of missense changes on protein structure and function outputs the following: PolyPhen-2: "Not Available". The threonine amino acid residue is found in multiple mammalian species, which suggests that this missense change does not adversely affect protein function. In summary, the available evidence is currently insufficient to determine the role of this variant in disease. Therefore, it has been classified as a Variant of Uncertain Significance.

Ambry Genetics
Classification: Likely benign. Last evaluated: 2024-10-03. Review status: criteria provided, single submitter. Criteria: Ambry Variant Classification Scheme 2023. Collection method: clinical testing. Allele origin: germline.